The following is an entry in ClinVar:

NM_001875.5(CPS1):c.4172C>A (p.Thr1391Lys)

Gene: CPS1 (carbamoyl-phosphate synthase 1; plus strand). Cytogenetic location: 2q34.
Variant type: single nucleotide variant.
Coding change: c.4172C>A on transcript NM_001875.5 (MANE Select); coding-DNA position 4172, C replaced by A.
Protein change: p.Thr1391Lys; replaces threonine 1391 with lysine.
Molecular consequence: missense variant. On other transcripts: non-coding transcript variant (2).
Genome position (GRCh38, 1-based): chr2:210,675,738, C>A. VCF-style: chr2-210675738-C-A. GRCh37 (hg19) VCF-style: chr2-211540462-C-A.
Other names: p.Thr1391Lys; c.4172C>A, p.Thr1391Lys (NM_001122633.3, NM_001369257.1); c.4205C>A, p.Thr1402Lys (NM_001369256.1); short protein forms T1391K, T1402K.
Identifiers: ClinVar variation 4528922 (VCV004528922.1).
Genomic context (GRCh38, chr2:210,675,738, plus strand): 5'-AATAAGAAATCACTGTGATACGGTAATTGATTTTTTCATTTTAAATGCAGCTGTTTGCCA[C>A]GGAAGCCACATCAGACTGGCTCAACGCCAACAATGTCCCTGCCACCCCAGTGGCATGGCC-3'
Protein context (NP_001866.2, residues 1381-1401): LHNEGFKLFA[Thr1391Lys]EATSDWLNAN

ClinVar aggregate classification (germline): Likely pathogenic (1 of 4 stars; one submission).

Conditions:
Congenital hyperammonemia, type I. Also called: CPS I DEFICIENCY; Carbamoyl phosphate synthetase I deficiency disease; Carbamoyl phosphate synthetase 1 deficiency; Hyperammonemia due to carbamoyl phosphate synthetase 1 deficiency; CPS 1 deficiency; Carbamyl phosphate synthetase (CPS) deficiency. Identifiers: Orphanet 147, MedGen C4082171, MONDO:0009376, OMIM 237300.

Submission:

Department of Molecular Genetics, Istishari Arab Hospital
Classification: Likely pathogenic for Congenital hyperammonemia, type I. Last evaluated: 2025-11-17. Review status: criteria provided, single submitter. Criteria: ACMG Guidelines, 2015. Collection method: clinical testing. Allele origin: germline. Inheritance: Autosomal recessive inheritance. Affected: yes.
Comment: The CPS1 variant c.4172C>A, p.Thr1391Lys creates an amino acid change from Thr to Lys at position 1391. The variant is not observed in the gnomAD v4.1.0 dataset and has not been previously described in the literature. A different amino acid change at the same position (p.Thr1391Met) has been previously described as likely pathogenic (Clinvar Accesion: VCV000552749.19). It is classified as likely pathogenic (class 2) according to the recommendations of ACMG/AMP/ClinGen SVI guidelines.